The following is an entry in ClinVar:

ClinVar aggregate classification (germline): Uncertain significance (1 of 4 stars; one submission).

Submission:

Labcorp Genetics (formerly Invitae), Labcorp
Classification: Uncertain significance. Last evaluated: 2025-09-28. Review status: criteria provided, single submitter. Criteria: Invitae Variant Classification Sherloc (09022015). Collection method: clinical testing. Allele origin: germline.
Comment: This sequence change is expected to alter the c-terminus of the KMT2A protein (p.Asn3972Glufs*49). While this is not anticipated to result in nonsense mediated decay, it is expected to disrupt the last 1 amino acid(s) of the KMT2A protein and extend the protein by 47 additional amino acid residues. This variant is not present in population databases (gnomAD no frequency). This variant has not been reported in the literature in individuals affected with KMT2A-related conditions. Experimental studies and prediction algorithms are not available or were not evaluated, and the functional significance of this variant is currently unknown. In summary, the available evidence is currently insufficient to determine the role of this variant in disease. Therefore, it has been classified as a Variant of Uncertain Significance.

NM_001197104.2(KMT2A):c.11895_11913dup (p.Asn3972fs)

Genes: TTC36-AS1 (TTC36 and KMT2A antisense RNA 1; minus strand), KMT2A (lysine methyltransferase 2A; plus strand). Cytogenetic location: 11q23.3.
Variant type: Duplication.
Coding change: c.11895_11913dup on transcript NM_001197104.2 (MANE Select); coding-DNA positions 11895 to 11913, 19 bases duplicated (GAAATGCCGGAAGTTCCTA).
Protein change: p.Asn3972fs; shifts the reading frame from asparagine 3972.
Molecular consequence: frameshift variant.
Genome position (GRCh38, 1-based): chr11:118,522,148-118,522,166, GAAATGCCGGAAGTTCCTA duplicated; duplicating any 19 consecutive bases within chr11:118,522,147-118,522,166 gives the same sequence; the c. name uses the placement nearest the transcript's 3' end. VCF-style (leftmost placement, unchanged base first): chr11-118522146-A-AAGAAATGCCGGAAGTTCCT. GRCh37 (hg19) VCF-style: chr11-118392861-A-AAGAAATGCCGGAAGTTCCT.
Other names: c.11985_12003dup, p.Asn4002fs (NM_001412597.1); c.11886_11904dup, p.Asn3969fs (NM_005933.4); short protein forms N3972fs, N4002fs, N3969fs.
Identifiers: ClinVar variation 4728030 (VCV004728030.1).